The following is an entry in ClinVar:

ClinVar aggregate classification (germline): Likely benign. Review status: criteria provided, multiple submitters, no conflicts (2 of 4 stars). 4 submissions from 4 submitters: Likely benign (3). 1 of the submissions does not count toward it. Last evaluated 2026-02-03.

Conditions:
TNFSF12-related disorder. Also called: TNFSF12-related condition.
Common variable immunodeficiency (CVID). Also called: Common variable hypogamma-globulinemia; Common variable agammaglobulinemia. Identifiers: Orphanet 1572, MedGen C0009447, MONDO:0015517.

Allele frequency attached by ClinVar (database versions not stated): gnomAD 0.00105 and 0.00113; TOPMed 0.00116; gnomAD exomes 0.00132 and 0.00085; 1000 Genomes Project 30x 0.00047; 1000 Genomes Project 0.00060; ExAC 0.00088; ESP Exome Variant Server 0.00100.
gnomAD v4.1: 2,090 of 1,614,078 alleles (0.13%); highest among the groups gnomAD compares: Non-Finnish European, 0.16%; 5 homozygotes.

Submissions (4):

Labcorp Genetics (formerly Invitae), Labcorp
Classification: Likely benign for Common variable immunodeficiency. Last evaluated: 2026-02-03. Review status: criteria provided, single submitter. Criteria: Invitae Variant Classification Sherloc (09022015). Collection method: clinical testing. Allele origin: germline.

Blueprint Genetics
Classification: Likely benign. Last evaluated: 2024-11-27. Review status: criteria provided, single submitter. Criteria: ACMG Guidelines, 2015. Collection method: clinical testing. Allele origin: germline.

CeGaT Center for Human Genetics Tuebingen
Classification: Likely benign. Last evaluated: 2022-07-01. Review status: criteria provided, single submitter. Criteria: CeGaT Center For Human Genetics Tuebingen Variant Classification Criteria Version 2. Collection method: clinical testing. Allele origin: germline. Affected: yes. Observed: 2 variant alleles.
Comment: TNFSF12-TNFSF13: BP4, BP7

PreventionGenetics, part of Exact Sciences
Classification: Likely benign for TNFSF12-related condition. Last evaluated: 2019-10-28. Review status: no assertion criteria provided. Collection method: clinical testing. Allele origin: germline. Not counted in ClinVar's aggregate classification.
Comment: This variant is classified as likely benign based on ACMG/AMP sequence variant interpretation guidelines (Richards et al. 2015 PMID: 25741868, with internal and published modifications).

NM_003809.3(TNFSF12):c.357G>A (p.Gln119=)

Genes: TNFSF12 (TNF superfamily member 12; plus strand), TNFSF12-TNFSF13 (TNFSF12-TNFSF13 readthrough; plus strand). Cytogenetic location: 17p13.1.
Variant type: single nucleotide variant.
Coding change: c.357G>A on transcript NM_003809.3 (MANE Select); coding-DNA position 357, G replaced by A.
Protein change: p.Gln119=; no amino-acid change (glutamine 119 retained).
Molecular consequence: synonymous variant. On other transcripts: non-coding transcript variant (1).
Genome position (GRCh38, 1-based): chr17:7,550,962, G>A. VCF-style: chr17-7550962-G-A. GRCh37 (hg19) VCF-style: chr17-7454279-G-A.
Other names: c.357G>A, p.Gln119= (NM_172089.4).
Identifiers: ClinVar variation 785761 (VCV000785761.37), dbSNP rs147826685, ClinGen allele CA8350786.